The following is an entry in ClinVar:

NM_133642.5(LARGE1):c.293A>G (p.His98Arg)

Gene: LARGE1 (LARGE xylosyl- and glucuronyltransferase 1; minus strand). Cytogenetic location: 22q12.3.
Variant type: single nucleotide variant.
Coding change: c.293A>G on transcript NM_133642.5 (MANE Select); coding-DNA position 293, A replaced by G.
Protein change: p.His98Arg; replaces histidine 98 with arginine.
Molecular consequence: missense variant.
Genome position (GRCh38, 1-based): chr22:33,650,482, T>C on the plus strand (A>G on the coding strand, the complement: LARGE1 is on the minus strand). VCF-style: chr22-33650482-T-C. GRCh37 (hg19) VCF-style: chr22-34046468-T-C.
Other names: c.293A>G, p.His98Arg (NM_001362949.2, NM_001362951.2, NM_001362953.2 and 7 more transcripts); short protein forms H98R.
Identifiers: ClinVar variation 2442762 (VCV002442762.1), dbSNP rs2519153127, ClinGen allele CA411546245.

ClinVar aggregate classification (germline): Uncertain significance (1 of 4 stars; one submission).

Allele frequency attached by ClinVar (database versions not stated): gnomAD exomes below 0.00001.
gnomAD v4.1: 3 of 1,613,662 alleles (0.00019%); highest among the groups gnomAD compares: African/African-American, 0.004%; no homozygotes.

Submission:

GeneDx
Classification: Uncertain significance. Last evaluated: 2022-09-01. Review status: criteria provided, single submitter. Criteria: GeneDx Variant Classification Process June 2021. Collection method: clinical testing. Allele origin: germline. Affected: yes.
Comment: Not observed at significant frequency in large population cohorts (gnomAD); In silico analysis supports that this missense variant has a deleterious effect on protein structure/function; Has not been previously published as pathogenic or benign to our knowledge